The following is an entry in ClinVar:

NM_000088.4(COL1A1):c.2404C>T (p.Arg802Cys)

Gene: COL1A1 (collagen type I alpha 1 chain; minus strand). Cytogenetic location: 17q21.33.
Variant type: single nucleotide variant.
Coding change: c.2404C>T on transcript NM_000088.4 (MANE Select); coding-DNA position 2404, C replaced by T.
Protein change: p.Arg802Cys; replaces arginine 802 with cysteine.
Molecular consequence: missense variant.
Genome position (GRCh38, 1-based): chr17:50,190,374, G>A on the plus strand (C>T on the coding strand, the complement: COL1A1 is on the minus strand). VCF-style: chr17-50190374-G-A. GRCh37 (hg19) VCF-style: chr17-48267735-G-A.
Other names: p.Arg802Cys; short protein forms R802C.
Identifiers: ClinVar variation 951128 (VCV000951128.15), dbSNP rs1459870410, ClinGen allele CA400207998.

ClinVar aggregate classification (germline): Uncertain significance. Review status: criteria provided, multiple submitters, no conflicts (2 of 4 stars). 5 submissions from 5 submitters: Uncertain significance (5). Last evaluated 2026-06-09.

Conditions:
Cardiovascular phenotype. Identifiers: MedGen CN230736.
Osteogenesis imperfecta type I (OI1). Also called: Classic Non-deforming Osteogenesis Imperfecta with Blue Sclerae; Lobstein's Disease; Lobstein disease; OI, TYPE I; OSTEOGENESIS IMPERFECTA TARDA; OSTEOGENESIS IMPERFECTA WITH BLUE SCLERAE. Identifiers: Orphanet 216796, Orphanet 666, MedGen C0023931, MONDO:0008146, OMIM 166200. Disease mechanism: loss of function.

Allele frequency attached by ClinVar (database versions not stated): gnomAD exomes below 0.00001; gnomAD 0.00001; TOPMed 0.00002.

Submissions (5):

Women's Health and Genetics/Laboratory Corporation of America, LabCorp
Classification: Uncertain significance. Last evaluated: 2026-06-09. Review status: criteria provided, single submitter. Criteria: LabCorp Variant Classification Summary - May 2015. Collection method: clinical testing. Allele origin: germline.
Comment: Variant summary: COL1A1 c.2404C>T (p.Arg802Cys) results in a non-conservative amino acid change in the encoded protein sequence. Algorithms developed to predict the effect of missense changes on protein structure and function all suggest that this variant is likely to be disruptive. The variant allele was found at a frequency of 4e-06 in 250996 control chromosomes. The available data on variant occurrences in the general population are insufficient to allow any conclusion about variant significance. To our knowledge, no occurrence of c.2404C>T in individuals affected with COL1A1-related conditions and no experimental evidence demonstrating its impact on protein function have been reported. ClinVar contains an entry for this variant (Variation ID: 951128). Based on the evidence outlined above, the variant was classified as uncertain significance.

Labcorp Genetics (formerly Invitae), Labcorp
Classification: Uncertain significance for Osteogenesis imperfecta type I. Last evaluated: 2026-01-06. Review status: criteria provided, single submitter. Criteria: Invitae Variant Classification Sherloc (09022015). Collection method: clinical testing. Allele origin: germline.
Comment: This sequence change replaces arginine, which is basic and polar, with cysteine, which is neutral and slightly polar, at codon 802 of the COL1A1 protein (p.Arg802Cys). This variant is present in population databases (no rsID available, gnomAD 0.0009%). This variant has not been reported in the literature in individuals affected with COL1A1-related conditions. ClinVar contains an entry for this variant (Variation ID: 951128). Invitae Evidence Modeling of protein sequence and biophysical properties (such as structural, functional, and spatial information, amino acid conservation, physicochemical variation, residue mobility, and thermodynamic stability) indicates that this missense variant is expected to disrupt COL1A1 protein function with a positive predictive value of 95%. In summary, the available evidence is currently insufficient to determine the role of this variant in disease. Therefore, it has been classified as a Variant of Uncertain Significance.

Ambry Genetics
Classification: Uncertain significance for Cardiovascular phenotype. Last evaluated: 2025-12-07. Review status: criteria provided, single submitter. Criteria: Ambry Variant Classification Scheme 2023. Collection method: clinical testing. Allele origin: germline.
Comment: The p.R802C variant (also known as c.2404C>T), located in coding exon 35 of the COL1A1 gene, results from a C to T substitution at nucleotide position 2404. The arginine at codon 802 is replaced by cysteine, an amino acid with highly dissimilar properties. This amino acid position is conserved. In addition, this alteration is predicted to be deleterious by in silico analysis. Based on the available evidence, the clinical significance of this variant remains unclear.

Mayo Clinic Laboratories, Mayo Clinic
Classification: Uncertain significance. Last evaluated: 2025-03-25. Review status: criteria provided, single submitter. Criteria: ACMG Guidelines, 2015. Collection method: clinical testing. Allele origin: germline. Observed: 2 variant alleles.
Comment: PP2, PP3_moderate, PM2_supporting

GeneDx
Classification: Uncertain significance. Last evaluated: 2023-06-05. Review status: criteria provided, single submitter. Criteria: GeneDx Variant Classification Process June 2021. Collection method: clinical testing. Allele origin: germline. Affected: yes.
Comment: Not observed at significant frequency in large population cohorts (gnomAD); In silico analysis supports that this missense variant has a deleterious effect on protein structure/function; Occurs in the triple helical domain at the Y position in the canonical Gly-X-Y repeat; although this variant may have an effect on normal protein folding and function, missense substitution at the Y position is not a common mechanism of disease (HGMD); Has not been previously published as pathogenic or benign to our knowledge